The following is an entry in ClinVar:

NM_000246.4(CIITA):c.2250G>A (p.Trp750Ter)

Gene: CIITA (class II major histocompatibility complex transactivator; plus strand). Cytogenetic location: 16p13.13.
Variant type: single nucleotide variant.
Coding change: c.2250G>A on transcript NM_000246.4 (MANE Select); coding-DNA position 2250, G replaced by A.
Protein change: p.Trp750Ter; replaces tryptophan 750 with a stop codon.
Molecular consequence: nonsense. On other transcripts: intron variant (1).
Genome position (GRCh38, 1-based): chr16:10,907,742, G>A. VCF-style: chr16-10907742-G-A. GRCh37 (hg19) VCF-style: chr16-11001599-G-A.
Other names: c.2253G>A, p.Trp751Ter (NM_001286402.1, NM_001379332.1); c.2106G>A, p.Trp702Ter (NM_001379330.1); c.2103G>A, p.Trp701Ter (NM_001379331.1); c.2250G>A, p.Trp750Ter (NM_001379333.1); c.2181G>A, p.Trp727Ter (NM_001379334.1); c.860-1241G>A (NM_001286403.2); short protein forms W750*, W701*, W751*, W702*, W727*.
Identifiers: ClinVar variation 2709570 (VCV002709570.3), dbSNP rs2544492635, ClinGen allele CA394732772.
Genomic context (GRCh38, chr16:10,907,742, plus strand): 5'-CAAGGAGCTCCCGCAGTACCTAGCATTGACCCCAAGGAAGAAGAGGCCCTATGACAACTG[G>A]CTGGAGGGCGTGCCACGCTTTCTGGCTGGGCTGATCTTCCAGCCTCCCGCCCGCTGCCTG-3'

ClinVar aggregate classification (germline): Pathogenic (1 of 4 stars; one submission).

Conditions:
MHC class II deficiency. Also called: Bare lymphocyte syndrome 2; BLS, TYPE II. Identifiers: Orphanet 572, MedGen C5447452, MONDO:0008855.

Allele frequency attached by ClinVar (database versions not stated): gnomAD exomes 0.00001.
gnomAD v4.1: 3 of 1,614,224 alleles (0.00019%); highest among the groups gnomAD compares: Non-Finnish European, 0.00025%; no homozygotes.

Submission:

Labcorp Genetics (formerly Invitae), Labcorp
Classification: Pathogenic for MHC class II deficiency. Last evaluated: 2024-01-16. Review status: criteria provided, single submitter. Criteria: Invitae Variant Classification Sherloc (09022015). Collection method: clinical testing. Allele origin: germline.
Comment: This sequence change creates a premature translational stop signal (p.Trp750*) in the CIITA gene. It is expected to result in an absent or disrupted protein product. Loss-of-function variants in CIITA are known to be pathogenic (PMID: 8402893, 9099848, 26271388). This variant is not present in population databases (gnomAD no frequency). This variant has not been reported in the literature in individuals affected with CIITA-related conditions. For these reasons, this variant has been classified as Pathogenic.

Literature cited by the submitters: PubMed 8402893; PubMed 9099848; PubMed 26271388.